The following is an entry in ClinVar:

NM_014391.3(ANKRD1):c.800T>C (p.Met267Thr)

Gene: ANKRD1 (ankyrin repeat domain 1; minus strand). Cytogenetic location: 10q23.31.
Variant type: single nucleotide variant.
Coding change: c.800T>C on transcript NM_014391.3 (MANE Select); coding-DNA position 800, T replaced by C.
Protein change: p.Met267Thr; replaces methionine 267 with threonine.
Molecular consequence: missense variant.
Genome position (GRCh38, 1-based): chr10:90,915,592, A>G on the plus strand (T>C on the coding strand, the complement: ANKRD1 is on the minus strand). VCF-style: chr10-90915592-A-G. GRCh37 (hg19) VCF-style: chr10-92675349-A-G.
Other names: short protein forms M267T.
Identifiers: ClinVar variation 3226310 (VCV003226310.1), dbSNP rs2492955090, ClinGen allele CA377549686.

ClinVar aggregate classification (germline): Uncertain significance (1 of 4 stars; one submission).

Conditions:
Cardiovascular phenotype. Identifiers: MedGen CN230736.

Allele frequency attached by ClinVar (database versions not stated): gnomAD exomes below 0.00001.
gnomAD v4.1: 1 of 1,614,104 alleles (0.000062%); highest among the groups gnomAD compares: Non-Finnish European, 0.000085%; no homozygotes.

Submission:

Ambry Genetics
Classification: Uncertain significance for Cardiovascular phenotype. Last evaluated: 2023-10-10. Review status: criteria provided, single submitter. Criteria: Ambry Variant Classification Scheme 2023. Collection method: clinical testing. Allele origin: germline.
Comment: The p.M267T variant (also known as c.800T>C), located in coding exon 8 of the ANKRD1 gene, results from a T to C substitution at nucleotide position 800. The methionine at codon 267 is replaced by threonine, an amino acid with similar properties. This amino acid position is conserved. In addition, the in silico prediction for this alteration is inconclusive. Since supporting evidence is limited at this time, the clinical significance of this alteration remains unclear.